The following is an entry in ClinVar:

ClinVar aggregate classification (germline): Conflicting classifications of pathogenicity. Review status: criteria provided, conflicting classifications (1 of 4 stars). 4 submissions from 4 submitters: Likely pathogenic (1); Uncertain significance (3). Last evaluated 2026-01-08.

Conditions:
Inborn genetic diseases. Identifiers: MedGen C0950123, MeSH D030342.
Acute myeloid leukemia (AML). Also called: Leukemia, acute myeloid, somatic; Leukemia, acute myelogenous, somatic; Acute myeloid leukemia, adult; AML adult; Acute non-lymphocytic leukemia; Acute granulocytic leukemia. Identifiers: Orphanet 519, MedGen C0023467, MeSH D015470, MONDO:0018874, OMIM 601626, HP:0004808. Disease mechanism: Constitutively activated FLT3.

Submissions (4):

Labcorp Genetics (formerly Invitae), Labcorp
Classification: Uncertain significance for Acute myeloid leukemia. Last evaluated: 2026-01-08. Review status: criteria provided, single submitter. Criteria: Invitae Variant Classification Sherloc (09022015). Collection method: clinical testing. Allele origin: germline.
Comment: This variant, c.564_566dup, results in the insertion of 1 amino acid(s) of the CEBPA protein (p.Pro189dup), but otherwise preserves the integrity of the reading frame. The frequency data for this variant in the population databases is considered unreliable, as metrics indicate poor data quality at this position in the gnomAD database. This variant has not been reported in the literature in individuals affected with CEBPA-related conditions. ClinVar contains an entry for this variant (Variation ID: 408742). Experimental studies and prediction algorithms are not available or were not evaluated, and the functional significance of this variant is currently unknown. In summary, the available evidence is currently insufficient to determine the role of this variant in disease. Therefore, it has been classified as a Variant of Uncertain Significance.

Ambry Genetics
Classification: Uncertain significance for Inborn genetic diseases. Last evaluated: 2024-12-31. Review status: criteria provided, single submitter. Criteria: Ambry Variant Classification Scheme 2023. Collection method: clinical testing. Allele origin: germline.
Comment: The c.564_566dupGCC variant (also known as p.P189dup), located in coding exon 1 of the CEBPA gene, results from an in-frame duplication of GCC at nucleotide positions 564 to 566. This results in the duplication of an extra proline residue between codons 189 and 190. This amino acid position is conserved on limited sequence alignment. In addition, this alteration is predicted to be neutral by in silico analysis (Choi Y et al. PLoS ONE. 2012; 7(10):e46688). Based on the available evidence, the clinical significance of this variant remains unclear.

GeneDx
Classification: Uncertain significance. Last evaluated: 2024-09-30. Review status: criteria provided, single submitter. Criteria: GeneDx Variant Classification Process June 2021. Collection method: clinical testing. Allele origin: germline.
Comment: In-frame duplication of 1 amino acid in a non-repeat region; This variant is associated with the following publications: (PMID: 35967564, 36315513, 21455213)

Genomic Diagnostics Laboratory, National Institute of Medical Genomics
Classification: Likely pathogenic for Acute myeloid leukemia. Review status: criteria provided, single submitter. Criteria: AMP Guidelines, 2017. Collection method: clinical testing. Allele origin: somatic. Affected: yes.
Comment: The variant was detected in bone marrow from patients, but it was not confirmed in the matched

NM_004364.5(CEBPA):c.546GCC[8] (p.Pro189dup)

Gene: CEBPA (CCAAT enhancer binding protein alpha; minus strand). Cytogenetic location: 19q13.11.
Variant type: Microsatellite.
Coding change: c.546GCC[8] on transcript NM_004364.5 (MANE Select); eight copies in a row of the 3-base unit GCC starting at c.546; the reference has seven copies in a row; one copy, 3 bases duplicated; also written c.564_566dup.
Protein change: p.Pro189dup; duplicates proline 189.
Molecular consequence: inframe insertion.
Genome position (GRCh38, 1-based): chr19:33,301,849-33,301,851, GGC duplicated on the plus strand (GCC on the coding strand, the reverse complement: CEBPA is on the minus strand); duplicating any 3 consecutive bases within chr19:33,301,849-33,301,869 gives the same sequence; the position shown is the placement nearest the transcript's 3' end. VCF-style (leftmost placement, unchanged base first): chr19-33301848-G-GGGC. GRCh37 (hg19) VCF-style: chr19-33792754-G-GGGC.
Other names: c.564_566dupGCC (NM_004364.4, NM_004364.5, NM_004364.3); c.189GCC[8], p.Pro70dup (NM_001285829.2); c.651GCC[8], p.Pro224dup (NM_001287424.2); c.504GCC[8], p.Pro175dup (NM_001287435.2); c.564_566dup (NM_004364.3).
Identifiers: ClinVar variation 408742 (VCV000408742.39), dbSNP rs746430067, ClinGen allele CA16616055.